The following is an entry in ClinVar:

ClinVar aggregate classification (germline): Uncertain significance (1 of 4 stars; one submission).

Conditions:
Left-right axis malformations. Identifiers: MedGen C1866091.

Allele frequency attached by ClinVar (database versions not stated): 1000 Genomes Project 0.00020.
gnomAD v4.1: 32 of 1,594,544 alleles (0.002%); highest among the groups gnomAD compares: African/African-American, 0.004%; no homozygotes.

Submission:

Labcorp Genetics (formerly Invitae), Labcorp
Classification: Uncertain significance for Left-right axis malformations. Last evaluated: 2023-12-18. Review status: criteria provided, single submitter. Criteria: Invitae Variant Classification Sherloc (09022015). Collection method: clinical testing. Allele origin: germline.
Comment: This sequence change replaces glycine, which is neutral and non-polar, with arginine, which is basic and polar, at codon 102 of the LEFTY2 protein (p.Gly102Arg). This variant is present in population databases (rs573132257, gnomAD 0.001%). This variant has not been reported in the literature in individuals affected with LEFTY2-related conditions. ClinVar contains an entry for this variant (Variation ID: 468546). Advanced modeling of protein sequence and biophysical properties (such as structural, functional, and spatial information, amino acid conservation, physicochemical variation, residue mobility, and thermodynamic stability) performed at Invitae indicates that this missense variant is not expected to disrupt LEFTY2 protein function with a negative predictive value of 80%. In summary, the available evidence is currently insufficient to determine the role of this variant in disease. Therefore, it has been classified as a Variant of Uncertain Significance.

NM_003240.5(LEFTY2):c.304G>C (p.Gly102Arg)

Gene: LEFTY2 (left-right determination factor 2; minus strand). Cytogenetic location: 1q42.12.
Variant type: single nucleotide variant.
Coding change: c.304G>C on transcript NM_003240.5 (MANE Select); coding-DNA position 304, G replaced by C.
Protein change: p.Gly102Arg; replaces glycine 102 with arginine.
Molecular consequence: missense variant. On other transcripts: intron variant (1).
Genome position (GRCh38, 1-based): chr1:225,939,949, C>G on the plus strand (G>C on the coding strand, the complement: LEFTY2 is on the minus strand). VCF-style: chr1-225939949-C-G. GRCh37 (hg19) VCF-style: chr1-226127649-C-G.
Other names: c.279+25G>C (NM_001172425.3); short protein forms G102R.
Identifiers: ClinVar variation 468546 (VCV000468546.8), dbSNP rs573132257, ClinGen allele CA38552858.